The following is an entry in ClinVar:

ClinVar aggregate classification (germline): Likely benign. Review status: criteria provided, multiple submitters, no conflicts (2 of 4 stars). 3 submissions from 3 submitters: Likely benign (3). Last evaluated 2025-12-03.

Conditions:
Familial thoracic aortic aneurysm and aortic dissection (TAAD). Also called: Thoracic aortic aneurysms and dissections. Identifiers: Orphanet 91387, MedGen C4707243, MONDO:0019625.
Congenital contractural arachnodactyly (CCA). Also called: BEALS SYNDROME; Arthrogryposis, distal, type 9; Beals-Hecht syndrome. Identifiers: Orphanet 115, MedGen C0220668, MONDO:0007363, OMIM 121050.

Allele frequency attached by ClinVar (database versions not stated): ExAC 0.00001; gnomAD 0.00001; gnomAD exomes 0.00001.
gnomAD v4.1: 9 of 1,613,772 alleles (0.00056%); highest among the groups gnomAD compares: Non-Finnish European, 0.00076%; no homozygotes.

Submissions (3):

Labcorp Genetics (formerly Invitae), Labcorp
Classification: Likely benign for Congenital contractural arachnodactyly. Last evaluated: 2025-12-03. Review status: criteria provided, single submitter. Criteria: Invitae Variant Classification Sherloc (09022015). Collection method: clinical testing. Allele origin: germline.

Ambry Genetics
Classification: Likely benign for Familial thoracic aortic aneurysm and aortic dissection. Last evaluated: 2018-06-30. Review status: criteria provided, single submitter. Criteria: Ambry Variant Classification Scheme 2023. Collection method: clinical testing. Allele origin: germline.

GeneDx
Classification: Likely benign. Last evaluated: 2017-10-25. Review status: criteria provided, single submitter. Criteria: GeneDx Variant Classification (06012015). Collection method: clinical testing. Allele origin: germline. Affected: yes.
Comment: This variant is considered likely benign or benign based on one or more of the following criteria: it is a conservative change, it occurs at a poorly conserved position in the protein, it is predicted to be benign by multiple in silico algorithms, and/or has population frequency not consistent with disease.

NM_001999.4(FBN2):c.6669T>C (p.Cys2223=)

Gene: FBN2 (fibrillin 2; minus strand). Cytogenetic location: 5q23.3.
Variant type: single nucleotide variant.
Coding change: c.6669T>C on transcript NM_001999.4 (MANE Select); coding-DNA position 6669, T replaced by C.
Protein change: p.Cys2223=; no amino-acid change (cysteine 2223 retained).
Molecular consequence: synonymous variant.
Genome position (GRCh38, 1-based): chr5:128,288,526, A>G on the plus strand (T>C on the coding strand, the complement: FBN2 is on the minus strand). VCF-style: chr5-128288526-A-G. GRCh37 (hg19) VCF-style: chr5-127624218-A-G.
Identifiers: ClinVar variation 512867 (VCV000512867.12), dbSNP rs754724355, ClinGen allele CA3394334.